The following is an entry in ClinVar:

ClinVar aggregate classification (germline): Conflicting classifications of pathogenicity. Review status: criteria provided, conflicting classifications (1 of 4 stars). 6 submissions from 6 submitters: Uncertain significance (3); Benign (1); Likely benign (2). Last evaluated 2025-12-17.

Conditions:
Familial thoracic aortic aneurysm and aortic dissection (TAAD). Also called: Thoracic aortic aneurysms and dissections. Identifiers: Orphanet 91387, MedGen C4707243, MONDO:0019625.
Marfan syndrome (MFS). Also called: Marfan syndrome, classic; Marfan syndrome type 1; Marfan's syndrome; FBN1-Related Marfan Syndrome; MARFAN SYNDROME, TYPE I. Identifiers: Orphanet 284963, Orphanet 558, MedGen C0024796, MONDO:0007947, OMIM 154700.

Allele frequency attached by ClinVar (database versions not stated): gnomAD exomes 0.00004 and 0.00001; 1000 Genomes Project 30x 0.00016; gnomAD 0.00016 and 0.00014; TOPMed 0.00013; ExAC 0.00003; 1000 Genomes Project 0.00020.
gnomAD v4.1: 38 of 1,589,648 alleles (0.0024%); highest among the groups gnomAD compares: African/African-American, 0.046%; no homozygotes.

Submissions (6):

Ambry Genetics
Classification: Benign for Familial thoracic aortic aneurysm and aortic dissection. Last evaluated: 2025-12-17. Review status: criteria provided, single submitter. Criteria: Ambry Variant Classification Scheme 2023. Collection method: clinical testing. Allele origin: germline.

Labcorp Genetics (formerly Invitae), Labcorp
Classification: Uncertain significance for Marfan syndrome; Familial thoracic aortic aneurysm and aortic dissection. Last evaluated: 2025-08-06. Review status: criteria provided, single submitter. Criteria: Invitae Variant Classification Sherloc (09022015). Collection method: clinical testing. Allele origin: germline.
Comment: This sequence change falls in intron 52 of the FBN1 gene. It does not directly change the encoded amino acid sequence of the FBN1 protein. It affects a nucleotide within the consensus splice site. This variant is present in population databases (rs567703513, gnomAD 0.05%), and has an allele count higher than expected for a pathogenic variant. This variant has been observed in individual(s) with clinical features of FBN1-related conditions (PMID: 25652356, 29907982). ClinVar contains an entry for this variant (Variation ID: 927800). Variants that disrupt the consensus splice site are a relatively common cause of aberrant splicing (PMID: 17576681, 9536098). Algorithms developed to predict the effect of sequence changes on RNA splicing suggest that this variant is not likely to affect RNA splicing. In summary, the available evidence is currently insufficient to determine the role of this variant in disease. Therefore, it has been classified as a Variant of Uncertain Significance.

Color Diagnostics, LLC DBA Color Health
Classification: Likely benign for Familial thoracic aortic aneurysm and aortic dissection. Last evaluated: 2025-06-26. Review status: criteria provided, single submitter. Criteria: ACMG Guidelines, 2015. Collection method: clinical testing. Allele origin: germline.

GeneDx
Classification: Uncertain significance. Last evaluated: 2024-10-28. Review status: criteria provided, single submitter. Criteria: GeneDx Variant Classification Process June 2021. Collection method: clinical testing. Allele origin: germline. Affected: yes.
Comment: In silico analysis indicates that this variant does not alter splicing; This variant is associated with the following publications: (PMID: 25652356, 29907982)

Phosphorus, Inc.
Classification: Uncertain significance. Last evaluated: 2022-01-15. Review status: criteria provided, single submitter. Criteria: ACMG Guidelines, 2015. Collection method: clinical testing. Allele origin: germline. Inheritance: Autosomal dominant inheritance.
Comment: This intron variant is located -3 bp away from the canonical splice site in intron 52 out of 65 total introns of the FBN1 gene. This variant has an entry in ClinVar (927800) NM_000138.5 (FBN1): c.6380-3A>G and has occurred in GnomAD with a total MAF of 0.0037% and highest MAF of 0.0523% in the African population. This position is not conserved. In silico splicing algorithms had conflicting predictions on this variant's impact on splicing (MaxEntScan = 174.698% difference, dbscSNV = 0.386). The variant has previously been identified in a patient with Marfan syndrome (PMID: 25652356). Further evidence is needed to establish whether this variant contributes to disease formation. The variant has therefore been classified as a Variant of Uncertain Significance.

Women's Health and Genetics/Laboratory Corporation of America, LabCorp
Classification: Likely benign. Last evaluated: 2019-01-28. Review status: criteria provided, single submitter. Criteria: LabCorp Variant Classification Summary - May 2015. Collection method: clinical testing. Allele origin: germline.
Comment: Variant summary: FBN1 c.6380-3A>G alters a non-conserved nucleotide located close to a canonical splice site and therefore could affect mRNA splicing, leading to a significantly altered protein sequence. Several computational tools predict a significant impact on normal splicing: One predict the variant abolishes a 3' acceptor site. Two predict the variant weakens a 3' acceptor site. Two predict the variant no significant impact on splicing. However, these predictions have yet to be confirmed by functional studies. The variant allele was found at a frequency of 5.1e-05 in 276284 control chromosomes, predominantly at a frequency of 0.00054 within the African subpopulation in the gnomAD database. The observed variant frequency within African control individuals in the gnomAD database is approximately 5 fold of the estimated maximal expected allele frequency for a pathogenic variant in FBN1 causing Marfan Syndrome phenotype (0.00011), strongly suggesting that the variant is a benign polymorphism found primarily in populations of African origin. c.6380-3A>G has been reported in the literature in one individual affected with suspected Marfan Syndrome (Baudhuin_2015). This report does not provide unequivocal conclusions about association of the variant with Marfan Syndrome. To our knowledge, no experimental evidence demonstrating an impact on protein function has been reported. No clinical diagnostic laboratories have submitted clinical-significance assessments for this variant to ClinVar after 2014. Based on the evidence outlined above, the variant was classified as likely benign.

Literature cited by the submitters: PubMed 25652356 (cited by 3 submitters); PubMed 29907982 (cited by Ambry Genetics and Labcorp Genetics (formerly Invitae), Labcorp); PubMed 17576681 (cited by Labcorp Genetics (formerly Invitae), Labcorp); PubMed 9536098 (cited by Labcorp Genetics (formerly Invitae), Labcorp).

NM_000138.5(FBN1):c.6380-3A>G

Gene: FBN1 (fibrillin 1; minus strand). Cytogenetic location: 15q21.1.
Variant type: single nucleotide variant.
Coding change: c.6380-3A>G on transcript NM_000138.5 (MANE Select); 3 bases into the intron before coding-DNA position 6380, A replaced by G.
Molecular consequence: intron variant.
Genome position (GRCh38, 1-based): chr15:48,437,080, T>C on the plus strand (A>G on the coding strand, the complement: FBN1 is on the minus strand). VCF-style: chr15-48437080-T-C. GRCh37 (hg19) VCF-style: chr15-48729277-T-C.
Identifiers: ClinVar variation 927800 (VCV000927800.23), dbSNP rs567703513, ClinGen allele CA056723.
Genomic context (GRCh38, chr15:48,437,080, plus strand): 5'-TCTGTATTGATGCACTGTCCATGTTTACAGACATCGGGTTCTTTGCATTCGTCCATATCT[T>C]AAGCAAGAGAAAAAAAATAGTGAATAACAAGGTATTTTTTAAACGTGAAGATAAATTATG-3'